The following is an entry in ClinVar:

NM_006306.4(SMC1A):c.869A>G (p.Glu290Gly)

Gene: SMC1A (structural maintenance of chromosomes 1A; minus strand). Cytogenetic location: Xp11.22.
Variant type: single nucleotide variant.
Coding change: c.869A>G on transcript NM_006306.4 (MANE Select); coding-DNA position 869, A replaced by G.
Protein change: p.Glu290Gly; replaces glutamic acid 290 with glycine.
Molecular consequence: missense variant.
Genome position (GRCh38, 1-based): chrX:53,412,239, T>C on the plus strand (A>G on the coding strand, the complement: SMC1A is on the minus strand). VCF-style: chrX-53412239-T-C. GRCh37 (hg19) VCF-style: chrX-53439189-T-C.
Other names: c.803A>G, p.Glu268Gly (NM_001281463.1); short protein forms E268G, E290G.
Identifiers: ClinVar variation 3365594 (VCV003365594.1).

ClinVar aggregate classification (germline): Uncertain significance (1 of 4 stars; one submission).

Submission:

GeneDx
Classification: Uncertain significance. Last evaluated: 2023-12-18. Review status: criteria provided, single submitter. Criteria: GeneDx Variant Classification Process June 2021. Collection method: clinical testing. Allele origin: germline. Affected: yes.
Comment: Not observed at significant frequency in large population cohorts (gnomAD); Missense variants in this gene are a common cause of disease and they are underrepresented in the general population; In silico analysis supports that this missense variant has a deleterious effect on protein structure/function; Has not been previously published as pathogenic or benign to our knowledge